The following is an entry in ClinVar:

NM_001386135.1(AFF3):c.54-2585A>G

Gene: AFF3 (ALF transcription elongation factor 3; minus strand). Cytogenetic location: 2q11.2.
Variant type: single nucleotide variant.
Coding change: c.54-2585A>G on transcript NM_001386135.1 (MANE Select); 2585 bases into the intron before coding-DNA position 54, A replaced by G.
Molecular consequence: intron variant. On other transcripts: synonymous variant (1).
Genome position (GRCh38, 1-based): chr2:100,011,517, T>C on the plus strand (A>G on the coding strand, the complement: AFF3 is on the minus strand). VCF-style: chr2-100011517-T-C. GRCh37 (hg19) VCF-style: chr2-100627979-T-C.
Other names: c.108A>G, p.Ser36= (NM_001025108.2); c.54-2585A>G (NM_002285.3).
Identifiers: ClinVar variation 4872253 (VCV004872253.2).

ClinVar aggregate classification (germline): Benign (1 of 4 stars; one submission).

gnomAD v4.1: 694 of 781,090 alleles (0.089%); highest among the groups gnomAD compares: African/African-American, 1.1%; 6 homozygotes.

Submission:

CeGaT Center for Human Genetics Tuebingen
Classification: Benign. Last evaluated: 2026-05-01. Review status: criteria provided, single submitter. Criteria: CeGaT Center For Human Genetics Tuebingen Variant Classification Criteria Version 2. Collection method: clinical testing. Allele origin: germline. Affected: yes. Observed: 1 variant allele.
Comment: AFF3: BP4, BP7, BS1, BS2